The following is an entry in ClinVar:

ClinVar aggregate classification (germline): Uncertain significance. Review status: criteria provided, multiple submitters, no conflicts (2 of 4 stars). 3 submissions from 3 submitters: Uncertain significance (3). Last evaluated 2026-01-12.

Conditions:
Familial thoracic aortic aneurysm and aortic dissection (TAAD). Also called: Thoracic aortic aneurysms and dissections. Identifiers: Orphanet 91387, MedGen C4707243, MONDO:0019625.
Marfan syndrome (MFS). Also called: Marfan syndrome, classic; Marfan syndrome type 1; Marfan's syndrome; FBN1-Related Marfan Syndrome; MARFAN SYNDROME, TYPE I. Identifiers: Orphanet 284963, Orphanet 558, MedGen C0024796, MONDO:0007947, OMIM 154700.

Allele frequency attached by ClinVar (database versions not stated): TOPMed below 0.00001.

Submissions (3):

Ambry Genetics
Classification: Uncertain significance for Familial thoracic aortic aneurysm and aortic dissection. Last evaluated: 2026-01-12. Review status: criteria provided, single submitter. Criteria: Ambry Variant Classification Scheme 2023. Collection method: clinical testing. Allele origin: germline.
Comment: The p.K850Q variant (also known as c.2548A>C), located in coding exon 21 of the FBN1 gene, results from an A to C substitution at nucleotide position 2548. The lysine at codon 850 is replaced by glutamine, an amino acid with similar properties. This amino acid position is conserved. In addition, the in silico prediction for this alteration is inconclusive. Based on the available evidence, the clinical significance of this variant remains unclear.

All of Us Research Program, National Institutes of Health
Classification: Uncertain significance for Marfan syndrome. Last evaluated: 2024-05-14. Review status: criteria provided, single submitter. Criteria: ACMG Guidelines, 2015. Collection method: clinical testing. Allele origin: germline. Inheritance: Autosomal dominant inheritance. Observed: 2 variant alleles, 2 heterozygotes.
Comment: This missense variant replaces lysine with glutamine at codon 850 of the FBN1 protein. Computational prediction suggests that this variant may not impact protein structure and function (internally defined REVEL score threshold <= 0.5, PMID: 27666373). Splice site prediction tools suggest that this variant may not impact RNA splicing. To our knowledge, functional studies have not been reported for this variant. This variant has not been reported in individuals affected with cardiovascular disorders in the literature. This variant has not been identified in the general population by the Genome Aggregation Database (gnomAD). The available evidence is insufficient to determine the role of this variant in disease conclusively. Therefore, this variant is classified as a Variant of Uncertain Significance.

This study involves interpretation of variants in research participants for the purpose of population health screening. Participant phenotype was not available at the time of variant classification. Additional details can be found in publication PMID: 35346344, PMCID: PMC8962531

Color Diagnostics, LLC DBA Color Health
Classification: Uncertain significance for Familial thoracic aortic aneurysm and aortic dissection. Last evaluated: 2024-03-06. Review status: criteria provided, single submitter. Criteria: ACMG Guidelines, 2015. Collection method: clinical testing. Allele origin: germline.
Comment: This missense variant replaces lysine with glutamine at codon 850 of the FBN1 protein. Computational prediction suggests that this variant may not impact protein structure and function (internally defined REVEL score threshold <= 0.5, PMID: 27666373). To our knowledge, functional studies have not been reported for this variant. This variant has not been reported in individuals affected with cardiovascular disorders in the literature. This variant has not been identified in the general population by the Genome Aggregation Database (gnomAD). The available evidence is insufficient to determine the role of this variant in disease conclusively. Therefore, this variant is classified as a Variant of Uncertain Significance.

NM_000138.5(FBN1):c.2548A>C (p.Lys850Gln)

Gene: FBN1 (fibrillin 1; minus strand). Cytogenetic location: 15q21.1.
Variant type: single nucleotide variant.
Coding change: c.2548A>C on transcript NM_000138.5 (MANE Select); coding-DNA position 2548, A replaced by C.
Protein change: p.Lys850Gln; replaces lysine 850 with glutamine.
Molecular consequence: missense variant.
Genome position (GRCh38, 1-based): chr15:48,495,252, T>G on the plus strand (A>C on the coding strand, the complement: FBN1 is on the minus strand). VCF-style: chr15-48495252-T-G. GRCh37 (hg19) VCF-style: chr15-48787449-T-G.
Other names: short protein forms K850Q.
Identifiers: ClinVar variation 919405 (VCV000919405.8), dbSNP rs1481779864, ClinGen allele CA392332936.